The following is an entry in ClinVar:

ClinVar aggregate classification (germline): Uncertain significance. Review status: criteria provided, multiple submitters, no conflicts (2 of 4 stars). 4 submissions from 4 submitters: Uncertain significance (4). Last evaluated 2025-08-01.

Conditions:
Classic or attenuated familial adenomatous polyposis. Identifiers: MedGen CN372698, MONDO:0021057.
Hereditary cancer-predisposing syndrome. Also called: Tumor predisposition; Neoplastic Syndromes, Hereditary; Hereditary Cancer Syndrome; Hereditary neoplastic syndrome. Identifiers: Orphanet 140162, MedGen C0027672, MeSH D009386, MONDO:0015356.
Familial adenomatous polyposis 1 (FAP1). Also called: FAMILIAL ADENOMATOUS POLYPOSIS 1, ATTENUATED; POLYPOSIS, ADENOMATOUS INTESTINAL. Identifiers: MedGen C2713442, MONDO:0021056, OMIM 175100. Disease mechanism: loss of function.

Allele frequency attached by ClinVar (database versions not stated): gnomAD exomes below 0.00001.
gnomAD v4.1: 2 of 1,613,750 alleles (0.00012%); highest among the groups gnomAD compares: African/African-American, 0.0013%; no homozygotes.

Submissions (4):

Ambry Genetics
Classification: Uncertain significance for Hereditary cancer-predisposing syndrome. Last evaluated: 2025-08-01. Review status: criteria provided, single submitter. Criteria: Ambry Variant Classification Scheme 2023. Collection method: clinical testing. Allele origin: germline.
Comment: The p.V1675G variant (also known as c.5024T>G), located in coding exon 15 of the APC gene, results from a T to G substitution at nucleotide position 5024. The valine at codon 1675 is replaced by glycine, an amino acid with dissimilar properties. This amino acid position is not well conserved in available vertebrate species. In addition, in silico predictors for this gene do not accurately predict pathogenicity. Missense alterations in APC are not a common cause of disease (Spier I et al. Genet Med. 2024 Feb;26(2):100992). Based on the available evidence, the clinical significance of this variant remains unclear.

Labcorp Genetics (formerly Invitae), Labcorp
Classification: Uncertain significance for Familial adenomatous polyposis 1. Last evaluated: 2024-11-18. Review status: criteria provided, single submitter. Criteria: Invitae Variant Classification Sherloc (09022015). Collection method: clinical testing. Allele origin: germline.
Comment: This sequence change replaces valine, which is neutral and non-polar, with glycine, which is neutral and non-polar, at codon 1675 of the APC protein (p.Val1675Gly). This variant is not present in population databases (gnomAD no frequency). This variant has not been reported in the literature in individuals affected with APC-related conditions. ClinVar contains an entry for this variant (Variation ID: 1707985). Invitae Evidence Modeling of protein sequence and biophysical properties (such as structural, functional, and spatial information, amino acid conservation, physicochemical variation, residue mobility, and thermodynamic stability) indicates that this missense variant is not expected to disrupt APC protein function with a negative predictive value of 95%. In summary, the available evidence is currently insufficient to determine the role of this variant in disease. Therefore, it has been classified as a Variant of Uncertain Significance.

All of Us Research Program, National Institutes of Health
Classification: Uncertain significance for Classic or attenuated familial adenomatous polyposis. Last evaluated: 2024-02-22. Review status: criteria provided, single submitter. Criteria: ACMG Guidelines, 2015. Collection method: clinical testing. Allele origin: germline. Inheritance: Autosomal dominant inheritance. Observed: 1 variant allele, 1 heterozygote.
Comment: This missense variant replaces valine with glycine at codon 1675 of the APC protein. Computational prediction suggests that this variant may not impact protein structure and function (internally defined REVEL score threshold <= 0.5, PMID: 27666373). To our knowledge, functional studies have not been reported for this variant. This variant has not been reported in individuals affected with APC-related disorders in the literature. This variant has not been identified in the general population by the Genome Aggregation Database (gnomAD). The available evidence is insufficient to determine the role of this variant in disease conclusively. Therefore, this variant is classified as a Variant of Uncertain Significance.

This study involves interpretation of variants in research participants for the purpose of population health screening. Participant phenotype was not available at the time of variant classification. Additional details can be found in publication PMID: 35346344, PMCID: PMC8962531

GeneDx
Classification: Uncertain significance. Last evaluated: 2022-03-30. Review status: criteria provided, single submitter. Criteria: GeneDx Variant Classification Process June 2021. Collection method: clinical testing. Allele origin: germline. Affected: yes.
Comment: Not observed at significant frequency in large population cohorts (gnomAD); In silico analysis supports that this missense variant does not alter protein structure/function; Has not been previously published as pathogenic or benign to our knowledge; This variant is associated with the following publications: (PMID: 18199528)

NM_000038.6(APC):c.5024T>G (p.Val1675Gly)

Gene: APC (APC regulator of Wnt signaling pathway; plus strand). Cytogenetic location: 5q22.2.
Variant type: single nucleotide variant.
Coding change: c.5024T>G on transcript NM_000038.6 (MANE Select); coding-DNA position 5024, T replaced by G.
Protein change: p.Val1675Gly; replaces valine 1675 with glycine.
Molecular consequence: missense variant.
Genome position (GRCh38, 1-based): chr5:112,840,618, T>G. VCF-style: chr5-112840618-T-G. GRCh37 (hg19) VCF-style: chr5-112176315-T-G.
Other names: c.3872T>G, p.Val1291Gly (NM_001407471.1, NM_001407472.1); c.5024T>G, p.Val1675Gly (NM_001127510.3, NM_001354895.2, NM_001407450.1); c.4970T>G, p.Val1657Gly (NM_001127511.3); c.5078T>G, p.Val1693Gly (NM_001354896.2, NM_001407447.1, NM_001407448.1 and 1 more transcripts); c.5054T>G, p.Val1685Gly (NM_001354897.2); c.4949T>G, p.Val1650Gly (NM_001354898.2); c.4940T>G, p.Val1647Gly (NM_001354899.2); c.4901T>G, p.Val1634Gly (NM_001354900.2); and 11 more; short protein forms V1291G, V1392G, V1515G, V1546G, V1549G, V1574G, V1584G, V1592G.
Identifiers: ClinVar variation 1707985 (VCV001707985.8), dbSNP rs2149930041, ClinGen allele CA16032325.